The following is an entry in ClinVar:

NM_015178.3(RHOBTB2):c.543G>A (p.Leu181=)

Gene: RHOBTB2 (Rho related BTB domain containing 2; plus strand). Cytogenetic location: 8p21.3.
Variant type: single nucleotide variant.
Coding change: c.543G>A on transcript NM_015178.3 (MANE Select); coding-DNA position 543, G replaced by A.
Protein change: p.Leu181=; no amino-acid change (leucine 181 retained).
Molecular consequence: synonymous variant.
Genome position (GRCh38, 1-based): chr8:23,006,788, G>A. VCF-style: chr8-23006788-G-A. GRCh37 (hg19) VCF-style: chr8-22864301-G-A.
Other names: c.609G>A (NM_001160036.1); c.609G>A, p.Leu203= (NM_001160036.2); c.564G>A, p.Leu188= (NM_001160037.2); c.543G>A, p.Leu181= (NM_001374791.1).
Identifiers: ClinVar variation 1663896 (VCV001663896.10), dbSNP rs536025789, ClinGen allele CA4672477.

ClinVar aggregate classification (germline): Likely benign. Review status: criteria provided, multiple submitters, no conflicts (2 of 4 stars). 3 submissions from 3 submitters: Likely benign (2). 1 of the submissions does not count toward it. Last evaluated 2024-11-15.

Conditions:
RHOBTB2-related disorder. Also called: RHOBTB2-related condition.

Allele frequency attached by ClinVar (database versions not stated): gnomAD exomes 0.00001 and 0.00003; TOPMed 0.00001; ExAC 0.00002; gnomAD 0.00002; 1000 Genomes Project 0.00020; 1000 Genomes Project 30x 0.00031.
gnomAD v4.1: 21 of 1,614,144 alleles (0.0013%); highest among the groups gnomAD compares: East Asian, 0.011%; no homozygotes.

Submissions (3):

Blueprint Genetics
Classification: Likely benign. Last evaluated: 2024-11-15. Review status: criteria provided, single submitter. Criteria: ACMG Guidelines, 2015. Collection method: clinical testing. Allele origin: germline.

Labcorp Genetics (formerly Invitae), Labcorp
Classification: Likely benign. Last evaluated: 2024-07-06. Review status: criteria provided, single submitter. Criteria: Invitae Variant Classification Sherloc (09022015). Collection method: clinical testing. Allele origin: germline.

PreventionGenetics, part of Exact Sciences
Classification: Likely benign for RHOBTB2-related condition. Last evaluated: 2019-06-17. Review status: no assertion criteria provided. Collection method: clinical testing. Allele origin: germline. Not counted in ClinVar's aggregate classification.
Comment: This variant is classified as likely benign based on ACMG/AMP sequence variant interpretation guidelines (Richards et al. 2015 PMID: 25741868, with internal and published modifications).